The following is an entry in ClinVar:

NM_002471.4(MYH6):c.4768C>T (p.Arg1590Cys)

Genes: MYH6 (myosin heavy chain 6; minus strand), LOC126861896 (BRD4-independent group 4 enhancer GRCh37_chr14:23854904-23856103; plus strand). Cytogenetic location: 14q11.2.
Variant type: single nucleotide variant.
Coding change: c.4768C>T on transcript NM_002471.4 (MANE Select); coding-DNA position 4768, C replaced by T.
Protein change: p.Arg1590Cys; replaces arginine 1590 with cysteine.
Molecular consequence: missense variant.
Genome position (GRCh38, 1-based): chr14:23,386,506, G>A on the plus strand (C>T on the coding strand, the complement: MYH6 is on the minus strand). VCF-style: chr14-23386506-G-A. GRCh37 (hg19) VCF-style: chr14-23855715-G-A.
Other names: short protein forms R1590C.
Identifiers: ClinVar variation 1742932 (VCV001742932.2), dbSNP rs544624250, ClinGen allele CA7114643.

ClinVar aggregate classification (germline): Uncertain significance (1 of 4 stars; one submission).

Conditions:
Cardiovascular phenotype. Identifiers: MedGen CN230736.

Allele frequency attached by ClinVar (database versions not stated): TOPMed below 0.00001.
gnomAD v4.1: 8 of 1,614,024 alleles (0.0005%); highest among the groups gnomAD compares: South Asian, 0.0022%; no homozygotes.

Submission:

Ambry Genetics
Classification: Uncertain significance for Cardiovascular phenotype. Last evaluated: 2022-06-06. Review status: criteria provided, single submitter. Criteria: Ambry Variant Classification Scheme 2023. Collection method: clinical testing. Allele origin: germline.
Comment: The p.R1590C variant (also known as c.4768C>T), located in coding exon 31 of the MYH6 gene, results from a C to T substitution at nucleotide position 4768. The arginine at codon 1590 is replaced by cysteine, an amino acid with highly dissimilar properties. This amino acid position is highly conserved in available vertebrate species. In addition, this alteration is predicted to be deleterious by in silico analysis. Since supporting evidence is limited at this time, the clinical significance of this alteration remains unclear.